The following is an entry in ClinVar:

ClinVar aggregate classification (germline): Likely benign. Review status: criteria provided, single submitter (1 of 4 stars). 2 submissions from 2 submitters: Likely benign (1). 1 of the submissions does not count toward it. Last evaluated 2026-01-17.

Conditions:
FBXO11-related disorder. Also called: FBXO11-related condition.

Submissions (2):

Labcorp Genetics (formerly Invitae), Labcorp
Classification: Likely benign. Last evaluated: 2026-01-17. Review status: criteria provided, single submitter. Criteria: Invitae Variant Classification Sherloc (09022015). Collection method: clinical testing. Allele origin: germline.

PreventionGenetics, part of Exact Sciences
Classification: Likely benign for FBXO11-related condition. Last evaluated: 2022-02-11. Review status: no assertion criteria provided. Collection method: clinical testing. Allele origin: germline. Not counted in ClinVar's aggregate classification.
Comment: This variant is classified as likely benign based on ACMG/AMP sequence variant interpretation guidelines (Richards et al. 2015 PMID: 25741868, with internal and published modifications).

NM_001190274.2(FBXO11):c.149AGC[4] (p.Gln54_Gln56del)

Genes: FBXO11 (F-box protein 11; minus strand), LOC100506235 (uncharacterized LOC100506235; plus strand). Cytogenetic location: 2p16.3.
Variant type: Microsatellite.
Coding change: c.149AGC[4] on transcript NM_001190274.2 (MANE Select); four copies in a row of the 3-base unit AGC starting at c.149; the reference has seven copies in a row; three copies, 9 bases deleted.
Protein change: p.Gln54_Gln56del.
Molecular consequence: inframe deletion.
Genome position (GRCh38, 1-based): chr2:47,905,552-47,905,560, GCTGCTGCT deleted on the plus strand (AGCAGCAGC on the coding strand, the reverse complement: FBXO11 is on the minus strand); deleting any 9 consecutive bases within chr2:47,905,552-47,905,574 gives the same sequence; the position shown is the placement nearest the transcript's 3' end. VCF-style (leftmost placement, unchanged base first): chr2-47905551-GGCTGCTGCT-G. GRCh37 (hg19) VCF-style: chr2-48132690-GGCTGCTGCT-G.
Other names: c.161_169del9 (NM_001190274.1).
Identifiers: ClinVar variation 1656377 (VCV001656377.10), dbSNP rs746953076, ClinGen allele CA47236582.